The following is an entry in ClinVar:

ClinVar aggregate classification (germline): Uncertain significance. Review status: criteria provided, multiple submitters, no conflicts (2 of 4 stars). 2 submissions from 2 submitters: Uncertain significance (2). Last evaluated 2022-08-06.

Conditions:
LAMA2-related muscular dystrophy (LAMA2-RD). Also called: Laminin alpha 2-related dystrophy. Identifiers: MedGen C5679788, MONDO:0100228.

Allele frequency attached by ClinVar (database versions not stated): gnomAD exomes 0.00001; TOPMed 0.00001; gnomAD 0.00003.
gnomAD v4.1: 7 of 1,614,058 alleles (0.00043%); highest among the groups gnomAD compares: Admixed American, 0.012%; no homozygotes.

Submissions (2):

Labcorp Genetics (formerly Invitae), Labcorp
Classification: Uncertain significance for LAMA2-related muscular dystrophy. Last evaluated: 2022-08-06. Review status: criteria provided, single submitter. Criteria: Invitae Variant Classification Sherloc (09022015). Collection method: clinical testing. Allele origin: germline.
Comment: This sequence change replaces leucine, which is neutral and non-polar, with proline, which is neutral and non-polar, at codon 1105 of the LAMA2 protein (p.Leu1105Pro). This variant is present in population databases (no rsID available, gnomAD 0.009%). This variant has not been reported in the literature in individuals affected with LAMA2-related conditions. ClinVar contains an entry for this variant (Variation ID: 566444). Advanced modeling of protein sequence and biophysical properties (such as structural, functional, and spatial information, amino acid conservation, physicochemical variation, residue mobility, and thermodynamic stability) performed at Invitae indicates that this missense variant is not expected to disrupt LAMA2 protein function. In summary, the available evidence is currently insufficient to determine the role of this variant in disease. Therefore, it has been classified as a Variant of Uncertain Significance.

Revvity Omics, Revvity
Classification: Uncertain significance. Last evaluated: 2019-02-13. Review status: criteria provided, single submitter. Criteria: ACMG Guidelines, 2015. Collection method: clinical testing. Allele origin: germline.

NM_000426.4(LAMA2):c.3314T>C (p.Leu1105Pro)

Gene: LAMA2 (laminin subunit alpha 2; plus strand). Cytogenetic location: 6q22.33.
Variant type: single nucleotide variant.
Coding change: c.3314T>C on transcript NM_000426.4 (MANE Select); coding-DNA position 3314, T replaced by C.
Protein change: p.Leu1105Pro; replaces leucine 1105 with proline.
Molecular consequence: missense variant.
Genome position (GRCh38, 1-based): chr6:129,313,000, T>C. VCF-style: chr6-129313000-T-C. GRCh37 (hg19) VCF-style: chr6-129634145-T-C.
Other names: c.3314T>C, p.Leu1105Pro (NM_001079823.2); short protein forms L1105P.
Identifiers: ClinVar variation 566444 (VCV000566444.8), dbSNP rs1358703522, ClinGen allele CA365611939.
Genomic context (GRCh38, chr6:129,313,000, plus strand): 5'-TCTCTGGTGCAAAATGTACAGAGTGCAGTCGAGGTCACTGGAACTACCCTCGCTGCAATC[T>C]CTGTGACTGCTTCCTCCCTGGGACAGATGCCACAACCTGTGATTCAGAGACTAAAAAATG-3'
Protein context (NP_000417.3, residues 1095-1115): RGHWNYPRCN[Leu1105Pro]CDCFLPGTDA